The following is an entry in ClinVar:

ClinVar aggregate classification (germline): Likely benign (1 of 4 stars; one submission).

gnomAD v4.1: 14 of 1,549,914 alleles (0.0009%); highest among the groups gnomAD compares: Admixed American, 0.02%; no homozygotes.

Submission:

CeGaT Center for Human Genetics Tuebingen
Classification: Likely benign. Last evaluated: 2026-02-01. Review status: criteria provided, single submitter. Criteria: CeGaT Center For Human Genetics Tuebingen Variant Classification Criteria Version 2. Collection method: clinical testing. Allele origin: germline. Affected: yes. Observed: 1 variant allele.
Comment: WDR81: BP4, BP7

NM_001163809.2(WDR81):c.747C>T (p.Ser249=)

Gene: WDR81 (WD repeat domain 81; plus strand). Cytogenetic location: 17p13.3.
Variant type: single nucleotide variant.
Coding change: c.747C>T on transcript NM_001163809.2 (MANE Select); coding-DNA position 747, C replaced by T.
Protein change: p.Ser249=; no amino-acid change (serine 249 retained).
Molecular consequence: synonymous variant. On other transcripts: intron variant (3).
Genome position (GRCh38, 1-based): chr17:1,725,706, C>T. VCF-style: chr17-1725706-C-T. GRCh37 (hg19) VCF-style: chr17-1629000-C-T.
Other names: c.-123-2284C>T (NM_152348.4); c.59-4674C>T (NM_001163673.2); c.-15+920C>T (NM_001163811.2).
Identifiers: ClinVar variation 4821327 (VCV004821327.4).